The following is an entry in ClinVar:

ClinVar aggregate classification (germline): Uncertain significance (1 of 4 stars; one submission).

Conditions:
Developmental and epileptic encephalopathy 94 (DEE94). Also called: Epileptic encephalopathy, childhood-onset; CHD2-Related Neurodevelopmental Disorders. Identifiers: Orphanet 1942, Orphanet 2382, MedGen C3809278, MONDO:0014150, OMIM 615369.

Allele frequency attached by ClinVar (database versions not stated): gnomAD exomes below 0.00001; TOPMed below 0.00001.

Submission:

Labcorp Genetics (formerly Invitae), Labcorp
Classification: Uncertain significance for Developmental and epileptic encephalopathy 94. Last evaluated: 2022-04-22. Review status: criteria provided, single submitter. Criteria: Invitae Variant Classification Sherloc (09022015). Collection method: clinical testing. Allele origin: germline.
Comment: In summary, the available evidence is currently insufficient to determine the role of this variant in disease. Therefore, it has been classified as a Variant of Uncertain Significance. Algorithms developed to predict the effect of missense changes on protein structure and function (SIFT, PolyPhen-2, Align-GVGD) all suggest that this variant is likely to be disruptive. ClinVar contains an entry for this variant (Variation ID: 644022). This variant has not been reported in the literature in individuals affected with CHD2-related conditions. This variant is not present in population databases (gnomAD no frequency). This sequence change replaces valine, which is neutral and non-polar, with alanine, which is neutral and non-polar, at codon 380 of the CHD2 protein (p.Val380Ala).

NM_001271.4(CHD2):c.1139T>C (p.Val380Ala)

Gene: CHD2 (chromodomain helicase DNA binding protein 2; plus strand). Cytogenetic location: 15q26.1.
Variant type: single nucleotide variant.
Coding change: c.1139T>C on transcript NM_001271.4 (MANE Select); coding-DNA position 1139, T replaced by C.
Protein change: p.Val380Ala; replaces valine 380 with alanine.
Molecular consequence: missense variant.
Genome position (GRCh38, 1-based): chr15:92,944,501, T>C. VCF-style: chr15-92944501-T-C. GRCh37 (hg19) VCF-style: chr15-93487731-T-C.
Other names: c.1139T>C, p.Val380Ala (NM_001042572.3); short protein forms V380A.
Identifiers: ClinVar variation 644022 (VCV000644022.9), dbSNP rs1596397712, ClinGen allele CA393903201.